The following is an entry in ClinVar:

ClinVar aggregate classification (germline): Conflicting classifications of pathogenicity. Review status: criteria provided, conflicting classifications (1 of 4 stars). 11 submissions from 11 submitters: Uncertain significance (8); Likely benign (1). 2 of the submissions do not count toward it. Last evaluated 2025-09-19.

Conditions:
Hereditary cancer-predisposing syndrome. Also called: Tumor predisposition; Hereditary neoplastic syndrome; Neoplastic Syndromes, Hereditary; Hereditary Cancer Syndrome. Identifiers: Orphanet 140162, MedGen C0027672, MeSH D009386, MONDO:0015356.
Familial adenomatous polyposis 2. Also called: Adenomas, multiple colorectal; MUTYH-associated polyposis; MUTYH-related attenuated familial adenomatous polyposis; MUTYH Polyposis; COLORECTAL ADENOMATOUS POLYPOSIS, AUTOSOMAL RECESSIVE; ADENOMAS, MULTIPLE COLORECTAL, AUTOSOMAL RECESSIVE. Identifiers: Orphanet 220460, Orphanet 247798, MedGen C3272841, MONDO:0012041, OMIM 608456.

Allele frequency attached by ClinVar (database versions not stated): gnomAD 0.00003; TOPMed 0.00001.
gnomAD v4.1: 56 of 1,609,824 alleles (0.0035%); highest among the groups gnomAD compares: South Asian, 0.045%; no homozygotes.

Submissions (11):

Color Diagnostics, LLC DBA Color Health
Classification: Uncertain significance for Hereditary cancer-predisposing syndrome. Last evaluated: 2025-09-19. Review status: criteria provided, single submitter. Criteria: ACMG Guidelines, 2015. Collection method: clinical testing. Allele origin: germline.
Comment: This missense variant replaces serine with leucine at codon 346 of the MUTYH protein. Computational prediction suggests that this variant may not impact protein structure and function. To our knowledge, functional studies have not been reported for this variant. This variant has been reported in an individual affected with Lynch syndrome-associated cancer and/or polyps (PMID: 25980754) and in two individual affected with breast and/or ovarian cancer (PMID: 25186627). This variant has been identified in 14/273222 chromosomes in the general population by the Genome Aggregation Database (gnomAD). The available evidence is insufficient to determine the role of this variant in disease conclusively. Therefore, this variant is classified as a Variant of Uncertain Significance.

Labcorp Genetics (formerly Invitae), Labcorp
Classification: Uncertain significance for Familial adenomatous polyposis 2. Last evaluated: 2025-08-18. Review status: criteria provided, single submitter. Criteria: Invitae Variant Classification Sherloc (09022015). Collection method: clinical testing. Allele origin: germline.
Comment: This sequence change replaces serine, which is neutral and polar, with leucine, which is neutral and non-polar, at codon 346 of the MUTYH protein (p.Ser346Leu). This variant is present in population databases (rs587778538, gnomAD 0.04%). This missense change has been observed in individual(s) with breast and/or ovarian cancer (PMID: 25186627, 25980754, 30982232). ClinVar contains an entry for this variant (Variation ID: 134862). An algorithm developed to predict the effect of missense changes on protein structure and function (PolyPhen-2) suggests that this variant is likely to be tolerated. In summary, the available evidence is currently insufficient to determine the role of this variant in disease. Therefore, it has been classified as a Variant of Uncertain Significance.

Ambry Genetics
Classification: Likely benign for Hereditary cancer-predisposing syndrome. Last evaluated: 2024-12-03. Review status: criteria provided, single submitter. Criteria: Ambry Variant Classification Scheme 2023. Collection method: clinical testing. Allele origin: germline.

Quest Diagnostics Nichols Institute San Juan Capistrano
Classification: Uncertain significance. Last evaluated: 2024-06-24. Review status: criteria provided, single submitter. Criteria: Quest Diagnostics criteria. Collection method: clinical testing. Allele origin: unknown.
Comment: The MUTYH c.1037C>T (p.Ser346Leu) variant has been reported in the published literature in individuals with breast cancer (PMID: 30982232 (2019), 25186627 (2015)) and a Lynch syndrome associated cancer and/or polyps (PMID: 25980754 (2015)). This variant has also been identified in reportedly healthy individuals (PMID: 24728327 (2014), 33471991 (2021), see also LOVD). The frequency of this variant in the general population, 0.00037 (11/30074 chromosomes (Genome Aggregation Database)), is uninformative in the assessment of its pathogenicity. Analysis of this variant using bioinformatics tools for the prediction of the effect of amino acid changes on protein structure and function yielded predictions that this variant is benign. Based on the available information, we are unable to determine the clinical significance of this variant.

GeneDx
Classification: Uncertain significance. Last evaluated: 2024-04-16. Review status: criteria provided, single submitter. Criteria: GeneDx Variant Classification Process June 2021. Collection method: clinical testing. Allele origin: germline. Affected: yes.
Comment: In silico analysis supports that this missense variant has a deleterious effect on protein structure/function; Also known as p.Ser343Leu (c.1028C>T); This variant is associated with the following publications: (PMID: 24728327, 30982232, 36243179, 16879101, 20816984, 25980754, 25186627)

Baylor Genetics
Classification: Uncertain significance for Familial adenomatous polyposis 2. Last evaluated: 2024-03-06. Review status: criteria provided, single submitter. Criteria: ACMG Guidelines, 2015. Collection method: clinical testing. Allele origin: unknown.

All of Us Research Program, National Institutes of Health
Classification: Uncertain significance for Familial adenomatous polyposis 2. Last evaluated: 2023-12-18. Review status: criteria provided, single submitter. Criteria: ACMG Guidelines, 2015. Collection method: clinical testing. Allele origin: germline. Inheritance: Autosomal recessive inheritance. Observed: 3 variant alleles, 3 heterozygotes.
Comment: This missense variant replaces serine with leucine at codon 346 of the MUTYH protein. Computational prediction suggests that this variant may not impact protein structure and function (internally defined REVEL score threshold <= 0.5, PMID: 27666373). To our knowledge, functional studies have not been reported for this variant. This variant has been reported in an individual affected with Lynch syndrome-associated cancer and/or polyps (PMID: 25980754) and in two individual affected with breast and/or ovarian cancer (PMID: 25186627). This variant has been identified in 14/273222 chromosomes in the general population by the Genome Aggregation Database (gnomAD). The available evidence is insufficient to determine the role of this variant in disease conclusively. Therefore, this variant is classified as a Variant of Uncertain Significance.

This study involves interpretation of variants in research participants for the purpose of population health screening. Participant phenotype was not available at the time of variant classification. Additional details can be found in publication PMID: 35346344, PMCID: PMC8962531

Sema4
Classification: Uncertain significance for Hereditary cancer-predisposing syndrome. Last evaluated: 2021-10-13. Review status: criteria provided, single submitter. Criteria: Sema4 Curation Guidelines. Collection method: curation. Allele origin: germline.
Comment: The MUTYH c.1037C>T (p.S346L) variant has been reported in heterozygosity in at least two individuals with breast cancer and at least one individual undergoing Lynch syndrome testing (PMID: 25186627, 25980754, 30982232). This variant was observed in 11/30074 chromosomes in the South Asian population, including no homozygotes, according to the Genome Aggregation Database (PMID: 32461654). This variant has been reported in ClinVar (Variation ID 134862). Functional studies have not been performed, and in silico predictions of the variant's effect on protein function are inconclusive. The overall evidence is insufficient to meet ACMG/AMP criteria for classifying it as benign or pathogenic. In summary, the clinical significance of this variant is currently uncertain.

Women's Health and Genetics/Laboratory Corporation of America, LabCorp
Classification: Uncertain significance. Last evaluated: 2020-05-26. Review status: criteria provided, single submitter. Criteria: LabCorp Variant Classification Summary - May 2015. Collection method: clinical testing. Allele origin: germline.
Comment: Variant summary: MUTYH c.1037C>T (p.Ser346Leu) results in a non-conservative amino acid change in the encoded protein sequence. Three of five in-silico tools predict a benign effect of the variant on protein function. The variant allele was found at a frequency of 5.4e-05 in 241834 control chromosomes. This frequency is not significantly higher than expected for a pathogenic variant in MUTYH causing MUTYH-associated Polyposis (5.4e-05 vs 0.0046), allowing no conclusion about variant significance. c.1037C>T has been reported in the literature in sequencing studies of individuals affected with and/or undergoing testing for breast cancer, colorectal cancer (example, Tung_2015, Yurgelun_2015, Wang_2019). These report(s) do not provide unequivocal conclusions about association of the variant with MUTYH-associated Polyposis. To our knowledge, no experimental evidence demonstrating an impact on protein function has been reported. Three clinical diagnostic laboratories have submitted clinical-significance assessments for this variant to ClinVar after 2014 without evidence for independent evaluation. All laboratories classified the variant as uncertain significance. Based on the evidence outlined above, the variant was classified as uncertain significance.

Counsyl
Classification: Uncertain significance for Familial adenomatous polyposis 2. Last evaluated: 2016-04-14. Review status: no assertion criteria provided. Collection method: clinical testing. Allele origin: unknown. Not counted in ClinVar's aggregate classification.

ITMI
No classification provided. Condition: AllHighlyPenetrant. Last evaluated: 2013-09-19. Review status: no classification provided. Collection method: reference population. Allele origin: germline. Not counted in ClinVar's aggregate classification.
Comment: Please see associated publication for description of ethnicities

Literature cited by the submitters: PubMed 25186627 (cited by 7 submitters); PubMed 25980754 (cited by 8 submitters); PubMed 30982232 (cited by 5 submitters); PubMed 33471991 (cited by Quest Diagnostics Nichols Institute San Juan Capistrano); PubMed 24728327 (cited by 4 submitters).

NM_001048174.2(MUTYH):c.953C>T (p.Ser318Leu)

Gene: MUTYH (mutY DNA glycosylase; minus strand). Cytogenetic location: 1p34.1.
Variant type: single nucleotide variant.
Coding change: c.953C>T on transcript NM_001048174.2 (MANE Select); coding-DNA position 953, C replaced by T.
Protein change: p.Ser318Leu; replaces serine 318 with leucine.
Molecular consequence: missense variant. On other transcripts: non-coding transcript variant (2).
Genome position (GRCh38, 1-based): chr1:45,331,810, G>A on the plus strand (C>T on the coding strand, the complement: MUTYH is on the minus strand). VCF-style: chr1-45331810-G-A. GRCh37 (hg19) VCF-style: chr1-45797482-G-A.
Other names: c.956C>T, p.Ser319Leu (NM_001048172.2); c.953C>T, p.Ser318Leu (NM_001048173.2, NM_001293195.2, NM_001048171.2); c.1037C>T, p.Ser346Leu (NM_001128425.2); c.998C>T, p.Ser333Leu (NM_001293190.2); c.986C>T, p.Ser329Leu (NM_001293191.2); c.677C>T, p.Ser226Leu (NM_001293192.2, NM_001293196.2); c.608C>T, p.Ser203Leu (NM_001350650.2, NM_001350651.2); c.1028C>T, p.Ser343Leu (NM_012222.3); short protein forms S346L, S332L, S318L, S319L, S333L, S343L, S203L, S226L.
Identifiers: ClinVar variation 134862 (VCV000134862.32), dbSNP rs587778538, ClinGen allele CA012017.
Genomic context (GRCh38, chr1:45,331,810, plus strand): 5'-GGCTTGCGGCTGGCCTTTCTGGGGAAGTTGACCACTCCCAGGGTCTGGTCCCAGGGCTCC[G>A]AGGGAGGCAGGCACAGGTGGCACTGTCCAGTGTTGGGAGCTGGGAACGGAGATCCCCGAA-3'
Protein context (NP_001041639.1, residues 308-328): TGQCHLCLPP[Ser318Leu]EPWDQTLGVV